The following is an entry in ClinVar:

NM_002457.5(MUC2):c.746C>T (p.Ala249Val)

Gene: MUC2 (mucin 2, oligomeric mucus/gel-forming; plus strand). Cytogenetic location: 11p15.5.
Variant type: single nucleotide variant.
Coding change: c.746C>T on transcript NM_002457.5 (MANE Select); coding-DNA position 746, C replaced by T.
Protein change: p.Ala249Val; replaces alanine 249 with valine.
Molecular consequence: missense variant.
Genome position (GRCh38, 1-based): chr11:1,078,394, C>T. VCF-style: chr11-1078394-C-T. GRCh37 (hg19) VCF-style: chr11-1078538-C-T.
Other names: short protein forms A249V.
Identifiers: ClinVar variation 2641117 (VCV002641117.24), dbSNP rs41501548, ClinGen allele CA5798248.
Genomic context (GRCh38, chr11:1,078,394, plus strand): 5'-TGACCGCCGAGGCCTTCGCGGACTGTCAGGACCTGGTGCCGCTGGAGCCGTATCTGCGCG[C>T]CTGCCAGCAGGACCGCTGCCGGTGCCCGGGCGGTGACACCTGCGTCTGCAGCACCGTGGC-3'
Protein context (NP_002448.5, residues 239-259): DLVPLEPYLR[Ala249Val]CQQDRCRCPG

ClinVar aggregate classification (germline): Likely benign (1 of 4 stars; one submission).

Allele frequency attached by ClinVar (database versions not stated): 1000 Genomes Project 0.00200; 1000 Genomes Project 30x 0.00250; ESP Exome Variant Server 0.00414; gnomAD 0.00519; TOPMed 0.00537.

Submission:

CeGaT Center for Human Genetics Tuebingen
Classification: Likely benign. Last evaluated: 2022-12-01. Review status: criteria provided, single submitter. Criteria: CeGaT Center For Human Genetics Tuebingen Variant Classification Criteria Version 2. Collection method: clinical testing. Allele origin: germline. Affected: yes. Observed: 1 variant allele.
Comment: MUC2: BS2